The following is an entry in ClinVar:

NM_201548.5(CERKL):c.1366-2A>T

Gene: CERKL (CERK like autophagy regulator; minus strand). Cytogenetic location: 2q31.3.
Variant type: single nucleotide variant.
Coding change: c.1366-2A>T on transcript NM_201548.5 (MANE Select); the canonical splice acceptor site of the intron before coding-DNA position 1366, A replaced by T.
Molecular consequence: splice acceptor variant.
Genome position (GRCh38, 1-based): chr2:181,539,266, T>A on the plus strand (A>T on the coding strand, the complement: CERKL is on the minus strand). VCF-style: chr2-181539266-T-A. GRCh37 (hg19) VCF-style: chr2-182403993-T-A.
Other names: c.1027-2A>T (NM_001030312.3); c.1312-2A>T (NM_001160277.2); c.1159-2A>T (NM_001030313.3); c.1444-2A>T (NM_001030311.3).
Identifiers: ClinVar variation 3655549 (VCV003655549.2).

ClinVar aggregate classification (germline): Likely pathogenic (1 of 4 stars; one submission).

Submission:

Labcorp Genetics (formerly Invitae), Labcorp
Classification: Likely pathogenic. Last evaluated: 2024-06-07. Review status: criteria provided, single submitter. Criteria: Invitae Variant Classification Sherloc (09022015). Collection method: clinical testing. Allele origin: germline.
Comment: This sequence change affects an acceptor splice site in intron 12 of the CERKL gene. It is expected to disrupt RNA splicing. Variants that disrupt the donor or acceptor splice site typically lead to a loss of protein function (PMID: 16199547), and loss-of-function variants in CERKL are known to be pathogenic (PMID: 14681825, 23591405, 24043777). This variant is not present in population databases (gnomAD no frequency). This variant has not been reported in the literature in individuals affected with CERKL-related conditions. Algorithms developed to predict the effect of sequence changes on RNA splicing suggest that this variant may disrupt the consensus splice site. In summary, the currently available evidence indicates that the variant is pathogenic, but additional data are needed to prove that conclusively. Therefore, this variant has been classified as Likely Pathogenic.

Literature cited by the submitters: PubMed 16199547; PubMed 14681825; PubMed 23591405; PubMed 24043777.